The following is an entry in ClinVar:

NM_012243.3(SLC35A3):c.615G>A (p.Trp205Ter)

Gene: SLC35A3 (solute carrier family 35 member A3; plus strand). Cytogenetic location: 1p21.2.
Variant type: single nucleotide variant.
Coding change: c.615G>A on transcript NM_012243.3 (MANE Select); coding-DNA position 615, G replaced by A.
Protein change: p.Trp205Ter; replaces tryptophan 205 with a stop codon.
Molecular consequence: nonsense.
Genome position (GRCh38, 1-based): chr1:100,011,514, G>A. VCF-style: chr1-100011514-G-A. GRCh37 (hg19) VCF-style: chr1-100477070-G-A.
Other names: c.615G>A, p.Trp205Ter (NM_001271684.2); c.741G>A, p.Trp247Ter (NM_001271685.2); short protein forms W247*, W205*.
Identifiers: ClinVar variation 2045066 (VCV002045066.4), dbSNP rs2524558926, ClinGen allele CA341315289.

ClinVar aggregate classification (germline): Pathogenic (1 of 4 stars; one submission).

Conditions:
Autism spectrum disorder - epilepsy - arthrogryposis syndrome (AMRS). Identifiers: Orphanet 370943, MedGen C3809910, MONDO:0014248, OMIM 615553.

Submission:

Labcorp Genetics (formerly Invitae), Labcorp
Classification: Pathogenic for Autism spectrum disorder - epilepsy - arthrogryposis syndrome. Last evaluated: 2021-12-17. Review status: criteria provided, single submitter. Criteria: Invitae Variant Classification Sherloc (09022015). Collection method: clinical testing. Allele origin: germline.
Comment: For these reasons, this variant has been classified as Pathogenic. This variant has not been reported in the literature in individuals affected with SLC35A3-related conditions. This variant is not present in population databases (gnomAD no frequency). This sequence change creates a premature translational stop signal (p.Trp205*) in the SLC35A3 gene. It is expected to result in an absent or disrupted protein product. Loss-of-function variants in SLC35A3 are known to be pathogenic (PMID: 24031089, 28328131).

Literature cited by the submitters: PubMed 24031089; PubMed 28328131.